The following is an entry in ClinVar:

NM_005591.4(MRE11):c.455A>T (p.His152Leu)

Gene: MRE11 (MRE11 double strand break repair nuclease; minus strand). Cytogenetic location: 11q21.
Variant type: single nucleotide variant.
Coding change: c.455A>T on transcript NM_005591.4 (MANE Select); coding-DNA position 455, A replaced by T.
Protein change: p.His152Leu; replaces histidine 152 with leucine.
Molecular consequence: missense variant.
Genome position (GRCh38, 1-based): chr11:94,478,824, T>A on the plus strand (A>T on the coding strand, the complement: MRE11 is on the minus strand). VCF-style: chr11-94478824-T-A. GRCh37 (hg19) VCF-style: chr11-94211990-T-A.
Other names: c.455A>T, p.His152Leu (NM_001330347.2, NM_005590.4); short protein forms H152L.
Identifiers: ClinVar variation 1799821 (VCV001799821.2), dbSNP rs749043357, ClinGen allele CA382377602.

ClinVar aggregate classification (germline): Uncertain significance (1 of 4 stars; one submission).

Conditions:
Hereditary cancer-predisposing syndrome. Also called: Neoplastic Syndromes, Hereditary; Tumor predisposition; Hereditary Cancer Syndrome; Hereditary neoplastic syndrome. Identifiers: Orphanet 140162, MedGen C0027672, MeSH D009386, MONDO:0015356.

gnomAD v4.1: 1 of 1,613,872 alleles (0.000062%); highest among the groups gnomAD compares: South Asian, 0.0011%; no homozygotes.

Submission:

Ambry Genetics
Classification: Uncertain significance for Hereditary cancer-predisposing syndrome. Last evaluated: 2021-12-05. Review status: criteria provided, single submitter. Criteria: Ambry Variant Classification Scheme 2023. Collection method: clinical testing. Allele origin: germline.
Comment: The p.H152L variant (also known as c.455A>T), located in coding exon 5 of the MRE11A gene, results from an A to T substitution at nucleotide position 455. The histidine at codon 152 is replaced by leucine, an amino acid with similar properties. This amino acid position is conserved. In addition, this alteration is predicted to be deleterious by in silico analysis. Since supporting evidence is limited at this time, the clinical significance of this alteration remains unclear.